The following is an entry in ClinVar:

NM_002439.5(MSH3):c.1149G>C (p.Lys383Asn)

Gene: MSH3 (mutS homolog 3; plus strand). Cytogenetic location: 5q14.1.
Variant type: single nucleotide variant.
Coding change: c.1149G>C on transcript NM_002439.5 (MANE Select); coding-DNA position 1149, G replaced by C.
Protein change: p.Lys383Asn; replaces lysine 383 with asparagine.
Molecular consequence: missense variant.
Genome position (GRCh38, 1-based): chr5:80,675,104, G>C. VCF-style: chr5-80675104-G-C. GRCh37 (hg19) VCF-style: chr5-79970923-G-C.
Other names: short protein forms K383N.
Identifiers: ClinVar variation 5024791 (VCV005024791.1).

ClinVar aggregate classification (germline): Uncertain significance (1 of 4 stars; one submission).

Conditions:
Hereditary cancer-predisposing syndrome. Also called: Neoplastic Syndromes, Hereditary; Tumor predisposition; Hereditary neoplastic syndrome; Hereditary Cancer Syndrome. Identifiers: Orphanet 140162, MedGen C0027672, MeSH D009386, MONDO:0015356.

Submission:

Ambry Genetics
Classification: Uncertain significance for Hereditary cancer-predisposing syndrome. Last evaluated: 2026-07-07. Review status: criteria provided, single submitter. Criteria: Ambry Variant Classification Scheme 2023. Collection method: clinical testing. Allele origin: germline.
Comment: The p.K383N variant (also known as c.1149G>C), located in coding exon 7 of the MSH3 gene, results from a G to C substitution at nucleotide position 1149. The lysine at codon 383 is replaced by asparagine, an amino acid with similar properties. This amino acid position is conserved. In addition, this alteration is predicted to be tolerated by in silico analysis. Based on the available evidence, the clinical significance of this variant remains unclear.